The following is an entry in ClinVar:

NM_198578.4(LRRK2):c.6523G>C (p.Asp2175His)

Gene: LRRK2 (leucine rich repeat kinase 2; plus strand). Cytogenetic location: 12q12.
Variant type: single nucleotide variant.
Coding change: c.6523G>C on transcript NM_198578.4 (MANE Select); coding-DNA position 6523, G replaced by C.
Protein change: p.Asp2175His; replaces aspartic acid 2175 with histidine.
Molecular consequence: missense variant.
Genome position (GRCh38, 1-based): chr12:40,351,680, G>C. VCF-style: chr12-40351680-G-C. GRCh37 (hg19) VCF-style: chr12-40745482-G-C.
Other names: short protein forms D2175H.
Identifiers: ClinVar variation 39278 (VCV000039278.4), dbSNP rs72547981, ClinGen allele CA343749.

ClinVar aggregate classification (germline): Uncertain significance (0 of 4 stars; one submission).

Conditions:
Autosomal dominant Parkinson disease 8. Also called: Parkinson disease 8, susceptibility to; LRRK2-Related Parkinson Disease; Parkinson disease 8. Identifiers: Orphanet 411602, MedGen C1846862, MONDO:0011764, OMIM 607060.

Submission:

GeneReviews
Classification: Uncertain significance for LRRK2-Related Parkinson Disease. Last evaluated: 2012-09-13. Review status: no assertion criteria provided. Collection method: curation. Allele origin: unknown.
ClinVar note: Converted during submission from unknown to Uncertain significance.